The following is an entry in ClinVar:

NM_006379.5(SEMA3C):c.1240A>G (p.Ile414Val)

Gene: SEMA3C (semaphorin 3C; minus strand). Cytogenetic location: 7q21.11.
Variant type: single nucleotide variant.
Coding change: c.1240A>G on transcript NM_006379.5 (MANE Select); coding-DNA position 1240, A replaced by G.
Protein change: p.Ile414Val; replaces isoleucine 414 with valine.
Molecular consequence: missense variant.
Genome position (GRCh38, 1-based): chr7:80,789,420, T>C on the plus strand (A>G on the coding strand, the complement: SEMA3C is on the minus strand). VCF-style: chr7-80789420-T-C. GRCh37 (hg19) VCF-style: chr7-80418736-T-C.
Other names: c.1294A>G, p.Ile432Val (NM_001350120.2); c.1066A>G, p.Ile356Val (NM_001350121.2); c.1294A>G (NM_001350120.1); short protein forms I356V, I414V, I432V.
Identifiers: ClinVar variation 2369373 (VCV002369373.4), dbSNP rs571594397, ClinGen allele CA4316177.

ClinVar aggregate classification (germline): Uncertain significance. Review status: criteria provided, single submitter (1 of 4 stars). 2 submissions from 2 submitters: Uncertain significance (1). 1 of the submissions does not count toward it. Last evaluated 2021-07-06.

Conditions:
SEMA3C-related disorder. Also called: SEMA3C-related condition.

Allele frequency attached by ClinVar (database versions not stated): TOPMed 0.00004; gnomAD 0.00008; 1000 Genomes Project 30x 0.00016; 1000 Genomes Project 0.00020; gnomAD exomes 0.00022; ExAC 0.00040.
gnomAD v4.1: 324 of 1,614,026 alleles (0.02%); highest among the groups gnomAD compares: South Asian, 0.28%; 14 homozygotes.

Submissions (2):

Ambry Genetics
Classification: Uncertain significance. Last evaluated: 2021-07-06. Review status: criteria provided, single submitter. Criteria: Ambry Variant Classification Scheme 2023. Collection method: clinical testing. Allele origin: germline.

PreventionGenetics, part of Exact Sciences
Classification: Likely benign for SEMA3C-related condition. Last evaluated: 2021-07-05. Review status: no assertion criteria provided. Collection method: clinical testing. Allele origin: germline. Not counted in ClinVar's aggregate classification.
Comment: This variant is classified as likely benign based on ACMG/AMP sequence variant interpretation guidelines (Richards et al. 2015 PMID: 25741868, with internal and published modifications).